The following is an entry in ClinVar:

NM_022124.6(CDH23):c.1446_1447insTT (p.Leu483fs)

Gene: CDH23 (cadherin related 23; plus strand). Cytogenetic location: 10q22.1.
Variant type: Insertion.
Coding change: c.1446_1447insTT on transcript NM_022124.6 (MANE Select); coding-DNA positions 1446 to 1447, TT inserted.
Protein change: p.Leu483fs; shifts the reading frame from leucine 483.
Molecular consequence: frameshift variant.
Genome position: GRCh38 VCF-style: chr10-71646614-C-CTT. GRCh37 (hg19) VCF-style: chr10-73406371-C-CTT.
Other names: c.1446_1447insTT, p.Leu483fs (NM_001171930.2, NM_001171931.2, NM_052836.4); short protein forms L483fs.
Identifiers: ClinVar variation 1076702 (VCV001076702.7), dbSNP rs2132597551, ClinGen allele CA2499220316.

ClinVar aggregate classification (germline): Pathogenic (1 of 4 stars; one submission).

Submission:

Labcorp Genetics (formerly Invitae), Labcorp
Classification: Pathogenic. Last evaluated: 2021-06-17. Review status: criteria provided, single submitter. Criteria: Invitae Variant Classification Sherloc (09022015). Collection method: clinical testing. Allele origin: germline.
Comment: This variant has not been reported in the literature in individuals affected with CDH23-related conditions. This sequence change creates a premature translational stop signal (p.Leu483Phefs*36) in the CDH23 gene. It is expected to result in an absent or disrupted protein product. Loss-of-function variants in CDH23 are known to be pathogenic (PMID: 11138009, 21940737). This variant is not present in population databases (ExAC no frequency). ClinVar contains an entry for this variant (Variation ID: 1076702). For these reasons, this variant has been classified as Pathogenic.

Literature cited by the submitters: PubMed 11138009; PubMed 21940737.